The following is an entry in ClinVar:

NM_003482.4(KMT2D):c.3008C>T (p.Pro1003Leu)

Gene: KMT2D (lysine methyltransferase 2D; minus strand). Cytogenetic location: 12q13.12.
Variant type: single nucleotide variant.
Coding change: c.3008C>T on transcript NM_003482.4 (MANE Select); coding-DNA position 3008, C replaced by T.
Protein change: p.Pro1003Leu; replaces proline 1003 with leucine.
Molecular consequence: missense variant.
Genome position (GRCh38, 1-based): chr12:49,050,580, G>A on the plus strand (C>T on the coding strand, the complement: KMT2D is on the minus strand). VCF-style: chr12-49050580-G-A. GRCh37 (hg19) VCF-style: chr12-49444363-G-A.
Other names: short protein forms P1003L.
Identifiers: ClinVar variation 2907572 (VCV002907572.4), dbSNP rs2120653165, ClinGen allele CA384659988.

ClinVar aggregate classification (germline): Uncertain significance. Review status: criteria provided, multiple submitters, no conflicts (2 of 4 stars). 2 submissions from 2 submitters: Uncertain significance (2). Last evaluated 2025-08-22.

Conditions:
Inborn genetic diseases. Identifiers: MedGen C0950123, MeSH D030342.
Kabuki syndrome. Also called: Kabuki make-up syndrome; NIIKAWA-KUROKI SYNDROME. Identifiers: Orphanet 2322, MedGen C0796004, MONDO:0016512.

Allele frequency attached by ClinVar (database versions not stated): gnomAD exomes below 0.00001.
gnomAD v4.1: 1 of 1,604,348 alleles (0.000062%); highest among the groups gnomAD compares: Non-Finnish European, 0.000085%; no homozygotes.

Submissions (2):

Ambry Genetics
Classification: Uncertain significance for Inborn genetic diseases. Last evaluated: 2025-08-22. Review status: criteria provided, single submitter. Criteria: Ambry Variant Classification Scheme 2023. Collection method: clinical testing. Allele origin: germline.

Labcorp Genetics (formerly Invitae), Labcorp
Classification: Uncertain significance for Kabuki syndrome. Last evaluated: 2024-11-15. Review status: criteria provided, single submitter. Criteria: Invitae Variant Classification Sherloc (09022015). Collection method: clinical testing. Allele origin: germline.
Comment: This sequence change replaces proline, which is neutral and non-polar, with leucine, which is neutral and non-polar, at codon 1003 of the KMT2D protein (p.Pro1003Leu). This variant is not present in population databases (gnomAD no frequency). This variant has not been reported in the literature in individuals affected with KMT2D-related conditions. ClinVar contains an entry for this variant (Variation ID: 2907572). Invitae Evidence Modeling of protein sequence and biophysical properties (such as structural, functional, and spatial information, amino acid conservation, physicochemical variation, residue mobility, and thermodynamic stability) indicates that this missense variant is not expected to disrupt KMT2D protein function with a negative predictive value of 95%. In summary, the available evidence is currently insufficient to determine the role of this variant in disease. Therefore, it has been classified as a Variant of Uncertain Significance.